The following is an entry in ClinVar:

NM_002109.6(HARS1):c.729+24C>T

Gene: HARS1 (histidyl-tRNA synthetase 1; minus strand). Cytogenetic location: 5q31.3.
Variant type: single nucleotide variant.
Coding change: c.729+24C>T on transcript NM_002109.6 (MANE Select); 24 bases into the intron after coding-DNA position 729, C replaced by T.
Molecular consequence: intron variant.
Genome position (GRCh38, 1-based): chr5:140,677,631, G>A on the plus strand (C>T on the coding strand, the complement: HARS1 is on the minus strand). VCF-style: chr5-140677631-G-A. GRCh37 (hg19) VCF-style: chr5-140057216-G-A.
Other names: c.642+24C>T (NM_001289094.2); c.387+24C>T (NM_001289093.2); c.549+24C>T (NM_001258042.3); c.609+24C>T (NM_001258040.3); c.507+24C>T (NM_001289092.2); c.669+24C>T (NM_001258041.3).
Identifiers: ClinVar variation 682776 (VCV000682776.1), dbSNP rs811382, ClinGen allele CA3444014.

ClinVar aggregate classification (germline): Benign (1 of 4 stars; one submission).

Allele frequency attached by ClinVar (database versions not stated): 1000 Genomes Project 0.18650; 1000 Genomes Project 30x 0.18848; ExAC 0.19540; gnomAD exomes 0.19670 and 0.20881; TOPMed 0.20366; ESP Exome Variant Server 0.20883; gnomAD 0.21023 and 0.21239.

Submission:

GeneDx
Classification: Benign. Last evaluated: 2018-06-14. Review status: criteria provided, single submitter. Criteria: GeneDx Variant Classification (06012015). Collection method: clinical testing. Allele origin: germline. Affected: yes.
Comment: This variant is considered likely benign or benign based on one or more of the following criteria: it is a conservative change, it occurs at a poorly conserved position in the protein, it is predicted to be benign by multiple in silico algorithms, and/or has population frequency not consistent with disease.